The following is an entry in ClinVar:

NM_004646.4(NPHS1):c.699C>T (p.Thr233=)

Gene: NPHS1 (NPHS1 adhesion molecule, nephrin; minus strand). Cytogenetic location: 19q13.12.
Variant type: single nucleotide variant.
Coding change: c.699C>T on transcript NM_004646.4 (MANE Select); coding-DNA position 699, C replaced by T.
Protein change: p.Thr233=; no amino-acid change (threonine 233 retained).
Molecular consequence: synonymous variant.
Genome position (GRCh38, 1-based): chr19:35,849,563, G>A on the plus strand (C>T on the coding strand, the complement: NPHS1 is on the minus strand). VCF-style: chr19-35849563-G-A. GRCh37 (hg19) VCF-style: chr19-36340465-G-A.
Identifiers: ClinVar variation 765922 (VCV000765922.21), dbSNP rs144398621, ClinGen allele CA9390697.
Genomic context (GRCh38, chr19:35,849,563, plus strand): 5'-CCTGCTCCCCATCCTCAGCGCCCTAGTTGGCCCAGTTCTCCACTTACACAGAACATTCAC[G>A]GTGAATGAGGCCTTGATGGGGGCCTCCAGTGCTGGGCTAGACGCCTCACAGACCAGCAAC-3'
Protein context (NP_004637.1, residues 223-243): ALEAPIKASF[Thr233=]VNVLFPPGPP

ClinVar aggregate classification (germline): Benign/Likely benign. Review status: criteria provided, multiple submitters, no conflicts (2 of 4 stars). 4 submissions from 4 submitters: Benign (1); Likely benign (2). 1 of the submissions does not count toward it. Last evaluated 2026-01-19.

Conditions:
Finnish congenital nephrotic syndrome (NPHS1). Also called: NEPHROTIC SYNDROME, TYPE 1. Identifiers: Orphanet 839, MedGen C0403399, MONDO:0009732, OMIM 256300.

Allele frequency attached by ClinVar (database versions not stated): gnomAD exomes 0.00008 and 0.00013; ExAC 0.00017; gnomAD 0.00042 and 0.00044; TOPMed 0.00051; ESP Exome Variant Server 0.00054; 1000 Genomes Project 0.00140; 1000 Genomes Project 30x 0.00141.
gnomAD v4.1: 192 of 1,613,448 alleles (0.012%); highest among the groups gnomAD compares: African/African-American, 0.13%; 1 homozygote.

Submissions (4):

Labcorp Genetics (formerly Invitae), Labcorp
Classification: Benign. Last evaluated: 2026-01-19. Review status: criteria provided, single submitter. Criteria: Invitae Variant Classification Sherloc (09022015). Collection method: clinical testing. Allele origin: germline.

CeGaT Center for Human Genetics Tuebingen
Classification: Likely benign. Last evaluated: 2025-07-01. Review status: criteria provided, single submitter. Criteria: CeGaT Center For Human Genetics Tuebingen Variant Classification Criteria Version 2. Collection method: clinical testing. Allele origin: germline. Affected: yes. Observed: 1 variant allele.
Comment: NPHS1: BP4, BP7

Fulgent Genetics
Classification: Likely benign for Finnish congenital nephrotic syndrome. Last evaluated: 2021-09-02. Review status: criteria provided, single submitter. Criteria: ACMG Guidelines, 2015. Collection method: clinical testing. Allele origin: unknown.

Natera, Inc.
Classification: Likely benign for Finnish congenital nephrotic syndrome. Last evaluated: 2020-01-06. Review status: no assertion criteria provided. Collection method: clinical testing. Allele origin: germline. Not counted in ClinVar's aggregate classification.